The following is an entry in ClinVar:

ClinVar aggregate classification (germline): Pathogenic (1 of 4 stars; one submission).

Conditions:
Ehlers-Danlos syndrome, dermatosparaxis type. Also called: EDS VIIC; Dermatosparaxis; Ehlers-Danlos syndrome, type VII, autosomal recessive. Identifiers: Orphanet 1901, MedGen C2700425, MONDO:0009161, OMIM 225410.

Submission:

Myriad Genetics, Inc.
Classification: Pathogenic for Ehlers-Danlos syndrome, dermatosparaxis type. Last evaluated: 2024-05-14. Review status: criteria provided, single submitter. Criteria: Myriad Autosomal Dominant, Autosomal Recessive and X-Linked Classification Criteria (2023). Collection method: clinical testing. Allele origin: unknown.
Comment: NM_014244.4(ADAMTS2):c.99_100insGT(P34Vfs*132) is expected to be pathogenic in the context of Ehlers-Danlos syndrome, ADAMTS2-related. This variant is predicted to lead to an abnormal or absent protein product due to the creation of a premature termination codon in ADAMTS2, a gene where loss-of-function variants are known to be pathogenic. Please note: this variant was assessed in the context of healthy population screening.

NM_014244.5(ADAMTS2):c.99_100insGT (p.Pro34fs)

Gene: ADAMTS2 (ADAM metallopeptidase with thrombospondin type 1 motif 2; minus strand). Cytogenetic location: 5q35.3.
Variant type: Insertion.
Coding change: c.99_100insGT on transcript NM_014244.5 (MANE Select); coding-DNA positions 99 to 100, GT inserted.
Protein change: p.Pro34fs; shifts the reading frame from proline 34.
Molecular consequence: frameshift variant.
Genome position: GRCh38 VCF-style: chr5-179345229-G-GAC. GRCh37 (hg19) VCF-style: chr5-178772230-G-GAC.
Other names: c.99_100insGT, p.Pro34fs (NM_021599.4); short protein forms P34fs.
Identifiers: ClinVar variation 5011201 (VCV005011201.1).